The following is an entry in ClinVar:

ClinVar aggregate classification (germline): Uncertain significance (1 of 4 stars; one submission).

Submission:

Labcorp Genetics (formerly Invitae), Labcorp
Classification: Uncertain significance. Last evaluated: 2023-03-08. Review status: criteria provided, single submitter. Criteria: Invitae Variant Classification Sherloc (09022015). Collection method: clinical testing. Allele origin: unknown.
Comment: In summary, the available evidence is currently insufficient to determine the role of this variant in disease. Therefore, it has been classified as a Variant of Uncertain Significance. This variant has not been reported in the literature in individuals affected with COL9A3-related conditions. This variant results in a copy number gain of the genomic region encompassing exon(s) 1-14 of the COL9A3 gene. This region includes the initiator codon of the gene. This copy number gain extends beyond the assayed region for this gene and therefore may encompass additional genes. As the precise location of this event is unknown, it may be in tandem or it may be located elsewhere in the genome.

NC_000020.10:g.(?_61448417)_(61457629_?)dup

Gene: COL9A3 (collagen type IX alpha 3 chain; plus strand). Cytogenetic location: 20q13.33.
Variant type: Duplication.
Identifiers: ClinVar variation 3248333 (VCV003248333.1).